The following is an entry in ClinVar:

ClinVar aggregate classification (germline): Uncertain significance. Review status: criteria provided, multiple submitters, no conflicts (2 of 4 stars). 3 submissions from 3 submitters: Uncertain significance (3). Last evaluated 2023-07-21.

Submissions (3):

Revvity Omics, Revvity
Classification: Uncertain significance. Last evaluated: 2023-07-21. Review status: criteria provided, single submitter. Criteria: ACMG Guidelines, 2015. Collection method: clinical testing. Allele origin: germline.

Labcorp Genetics (formerly Invitae), Labcorp
Classification: Uncertain significance. Last evaluated: 2022-09-17. Review status: criteria provided, single submitter. Criteria: Invitae Variant Classification Sherloc (09022015). Collection method: clinical testing. Allele origin: germline.
Comment: This sequence change replaces leucine, which is neutral and non-polar, with phenylalanine, which is neutral and non-polar, at codon 254 of the PKLR protein (p.Leu254Phe). This variant is not present in population databases (gnomAD no frequency). In summary, the available evidence is currently insufficient to determine the role of this variant in disease. Therefore, it has been classified as a Variant of Uncertain Significance. Advanced modeling of protein sequence and biophysical properties (such as structural, functional, and spatial information, amino acid conservation, physicochemical variation, residue mobility, and thermodynamic stability) performed at Invitae indicates that this missense variant is not expected to disrupt PKLR protein function. ClinVar contains an entry for this variant (Variation ID: 1330491). This variant has not been reported in the literature in individuals affected with PKLR-related conditions.

ARUP Laboratories, Molecular Genetics and Genomics, ARUP Laboratories
Classification: Uncertain significance. Last evaluated: 2020-10-29. Review status: criteria provided, single submitter. Criteria: ARUP Molecular Germline Variant Investigation Process 2021. Collection method: clinical testing. Allele origin: germline.

NM_000298.6(PKLR):c.762G>C (p.Leu254Phe)

Gene: PKLR (pyruvate kinase L/R; minus strand). Cytogenetic location: 1q22.
Variant type: single nucleotide variant.
Coding change: c.762G>C on transcript NM_000298.6 (MANE Select); coding-DNA position 762, G replaced by C.
Protein change: p.Leu254Phe; replaces leucine 254 with phenylalanine.
Molecular consequence: missense variant.
Genome position (GRCh38, 1-based): chr1:155,294,685, C>G on the plus strand (G>C on the coding strand, the complement: PKLR is on the minus strand). VCF-style: chr1-155294685-C-G. GRCh37 (hg19) VCF-style: chr1-155264476-C-G.
Other names: c.669G>C, p.Leu223Phe (NM_181871.4); short protein forms L223F, L254F.
Identifiers: ClinVar variation 1330491 (VCV001330491.14), dbSNP rs943436402, ClinGen allele CA342754544.